The following is an entry in ClinVar:

ClinVar aggregate classification (germline): Uncertain significance (1 of 4 stars; one submission).

Conditions:
Cardiovascular phenotype. Identifiers: MedGen CN230736.

Allele frequency attached by ClinVar (database versions not stated): gnomAD exomes below 0.00001; TOPMed below 0.00001.
gnomAD v4.1: 2 of 1,613,424 alleles (0.00012%); highest among the groups gnomAD compares: African/African-American, 0.0027%; no homozygotes.

Submission:

Ambry Genetics
Classification: Uncertain significance for Cardiovascular phenotype. Last evaluated: 2019-11-20. Review status: criteria provided, single submitter. Criteria: Ambry Variant Classification Scheme 2023. Collection method: clinical testing. Allele origin: germline.
Comment: The p.Y11791H variant (also known as c.35371T>C), located in coding exon 131 of the TTN gene, results from a T to C substitution at nucleotide position 35371. The tyrosine at codon 11791 is replaced by histidine, an amino acid with similar properties. This amino acid position is not well conserved in available vertebrate species. In addition, this alteration is predicted to be tolerated by in silico analysis. Since supporting evidence is limited at this time, the clinical significance of this alteration remains unclear.

NM_001267550.2(TTN):c.62566T>C (p.Tyr20856His)

Genes: TTN (titin; minus strand), TTN-AS1 (TTN antisense RNA 1; plus strand). Cytogenetic location: 2q31.2.
Variant type: single nucleotide variant.
Coding change: c.62566T>C on transcript NM_001267550.2 (MANE Select); coding-DNA position 62566, T replaced by C.
Protein change: p.Tyr20856His; replaces tyrosine 20856 with histidine.
Molecular consequence: missense variant.
Genome position (GRCh38, 1-based): chr2:178,589,159, A>G on the plus strand (T>C on the coding strand, the complement: TTN is on the minus strand). VCF-style: chr2-178589159-A-G. GRCh37 (hg19) VCF-style: chr2-179453886-A-G.
Other names: c.57643T>C, p.Tyr19215His (NM_001256850.1); c.35371T>C, p.Tyr11791His (NM_003319.4); c.54862T>C, p.Tyr18288His (NM_133378.4); c.35746T>C, p.Tyr11916His (NM_133432.3); c.35947T>C, p.Tyr11983His (NM_133437.4); short protein forms Y11983H, Y19215H, Y20856H, Y18288H, Y11916H, Y11791H.
Identifiers: ClinVar variation 1732406 (VCV001732406.2), dbSNP rs2049698441, ClinGen allele CA349464414.